The following is an entry in ClinVar:

NM_000127.3(EXT1):c.392dup (p.Tyr131Ter)

Gene: EXT1 (exostosin glycosyltransferase 1; minus strand). Cytogenetic location: 8q24.11.
Variant type: Duplication.
Coding change: c.392dup on transcript NM_000127.3 (MANE Select); coding-DNA position 392, one base duplicated (A; older notation c.392dupA).
Protein change: p.Tyr131Ter; replaces tyrosine 131 with a stop codon.
Molecular consequence: nonsense.
Genome position (GRCh38, 1-based): chr8:118,110,655, T duplicated on the plus strand (A on the coding strand, the reverse complement: EXT1 is on the minus strand). VCF-style (leftmost placement, unchanged base first): chr8-118110654-G-GT. GRCh37 (hg19) VCF-style: chr8-119122893-G-GT.
Other names: short protein forms Y131*.
Identifiers: ClinVar variation 1333161 (VCV001333161.2), dbSNP rs1817881221, ClinGen allele CA1814089207.

ClinVar aggregate classification (germline): Pathogenic (1 of 4 stars; one submission).

Conditions:
Multiple congenital exostosis (EXT). Also called: Hereditary multiple osteochondromas; Multiple osteochondromas; MULTIPLE CARTILAGINOUS EXOSTOSES; Multiple exostoses; Hereditary multiple exostoses; Hereditary multiple exostosis. Identifiers: Orphanet 321, MedGen C0015306, MONDO:0005508, HP:0002762.

Allele frequency attached by ClinVar (database versions not stated): TOPMed 0.00001.

Submission:

Service de Biochimie Médicale et Biologie Moléculaire, CHU Clermont-Ferrand
Classification: Pathogenic for Exostoses, multiple, type 1. Last evaluated: 2022-01-11. Review status: criteria provided, single submitter. Criteria: ACMG Guidelines, 2015. Collection method: clinical testing. Allele origin: unknown. Inheritance: Sporadic. Affected: yes. Observed: 1 heterozygote.
Comment: PVS1 + PM2 + PS2